The following is an entry in ClinVar:

NM_001372.4(DNAH9):c.5631C>T (p.Thr1877=)

Gene: DNAH9 (dynein axonemal heavy chain 9; plus strand). Cytogenetic location: 17p12.
Variant type: single nucleotide variant.
Coding change: c.5631C>T on transcript NM_001372.4 (MANE Select); coding-DNA position 5631, C replaced by T.
Protein change: p.Thr1877=; no amino-acid change (threonine 1877 retained).
Molecular consequence: synonymous variant.
Genome position (GRCh38, 1-based): chr17:11,719,412, C>T. VCF-style: chr17-11719412-C-T. GRCh37 (hg19) VCF-style: chr17-11622729-C-T.
Other names: p.Thr1877=.
Identifiers: ClinVar variation 1246428 (VCV001246428.15), dbSNP rs61739488, ClinGen allele CA8396055.

ClinVar aggregate classification (germline): Benign/Likely benign. Review status: criteria provided, multiple submitters, no conflicts (2 of 4 stars). 6 submissions from 6 submitters: Benign (4); Likely benign (1). 1 of the submissions does not count toward it. Last evaluated 2026-02-01.

Conditions:
DNAH9-related disorder. Also called: DNAH9-related condition.

Allele frequency attached by ClinVar (database versions not stated): gnomAD exomes 0.00502 and 0.01277; ExAC 0.01570; gnomAD 0.04664 and 0.05007; 1000 Genomes Project 0.05112; TOPMed 0.05295; ESP Exome Variant Server 0.05482; 1000 Genomes Project 30x 0.05606.
gnomAD v4.1: 14,813 of 1,613,870 alleles (0.92%); highest among the groups gnomAD compares: African/African-American, 17%; 1,083 homozygotes.

Submissions (6):

Labcorp Genetics (formerly Invitae), Labcorp
Classification: Benign. Last evaluated: 2026-02-01. Review status: criteria provided, single submitter. Criteria: Invitae Variant Classification Sherloc (09022015). Collection method: clinical testing. Allele origin: germline.

Blueprint Genetics
Classification: Likely benign. Last evaluated: 2024-11-26. Review status: criteria provided, single submitter. Criteria: ACMG Guidelines, 2015. Collection method: clinical testing. Allele origin: germline.

Mayo Clinic Laboratories, Mayo Clinic
Classification: Benign. Last evaluated: 2023-01-15. Review status: criteria provided, single submitter. Criteria: ACMG Guidelines, 2015. Collection method: clinical testing. Allele origin: germline. Observed: 16 variant alleles.

GeneDx
Classification: Benign. Last evaluated: 2021-05-04. Review status: criteria provided, single submitter. Criteria: GeneDx Variant Classification Process June 2021. Collection method: clinical testing. Allele origin: germline. Affected: yes.

Breakthrough Genomics
Classification: Benign. Review status: criteria provided, single submitter. Criteria: ACMG Guidelines, 2015. Collection method: not provided. Allele origin: germline. Inheritance: Autosomal recessive inheritance. Affected: yes.

PreventionGenetics, part of Exact Sciences
Classification: Benign for DNAH9-related condition. Last evaluated: 2019-10-15. Review status: no assertion criteria provided. Collection method: clinical testing. Allele origin: germline. Not counted in ClinVar's aggregate classification.
Comment: This variant is classified as benign based on ACMG/AMP sequence variant interpretation guidelines (Richards et al. 2015 PMID: 25741868, with internal and published modifications).